The following is an entry in ClinVar:

NM_000179.3(MSH6):c.2565_2568del (p.Ile855fs)

Gene: MSH6 (mutS homolog 6; plus strand). Cytogenetic location: 2p16.3.
Variant type: Deletion.
Coding change: c.2565_2568del on transcript NM_000179.3 (MANE Select); coding-DNA positions 2565 to 2568, 4 bases deleted (TATT; older notation c.2565_2568delTATT).
Protein change: p.Ile855fs; shifts the reading frame from isoleucine 855.
Molecular consequence: frameshift variant.
Genome position (GRCh38, 1-based): chr2:47,800,548-47,800,551, TATT deleted; deleting any 4 consecutive bases within chr2:47,800,547-47,800,551 gives the same sequence; the c. name uses the placement nearest the transcript's 3' end. VCF-style (leftmost placement, unchanged base first): chr2-47800546-ATTAT-A. GRCh37 (hg19) VCF-style: chr2-48027685-ATTAT-A.
Other names: c.2175_2178del, p.Ile725fs (NM_001281492.2); c.1659_1662del, p.Ile553fs (NM_001281493.2, NM_001281494.2); c.2661_2664delTATT, p.Ile887Metfs (NM_001406795.1, NM_001406802.1); c.2565_2568delTATT, p.Ile855Metfs (NM_001406796.1, NM_001406798.1, NM_001406800.1 and 2 more transcripts); c.2268_2271delTATT, p.Ile756Metfs (NM_001406797.1, NM_001406801.1, NM_001406805.1 and 10 more transcripts); c.2040_2043delTATT, p.Ile680Metfs (NM_001406799.1, NM_001406806.1, NM_001406807.1); c.2487_2490delTATT, p.Ile829Metfs (NM_001406804.1); c.1659_1662delTATT, p.Ile553Metfs (NM_001406811.1, NM_001406812.1, NM_001406814.1 and 4 more transcripts); and 2 more; short protein forms I553fs, I855fs, I725fs.
Identifiers: ClinVar variation 1793153 (VCV001793153.2), dbSNP rs2530680120, ClinGen allele CA2580067950.
Genomic context (GRCh38, chr2:47,800,546, plus strand): 5'-CAGAACCACCCAGACAGCAGGGCTATAATGTATGAAGAAACTACATACAGCAAGAAGAAG[ATTAT>A]TGATTTTCTTTCTGCTCTGGAAGGATTCAAAGTAATGTGTAAAATTATAGGGATCATGGA-3'

ClinVar aggregate classification (germline): Pathogenic (1 of 4 stars; one submission).

Conditions:
Hereditary cancer-predisposing syndrome. Also called: Tumor predisposition; Hereditary Cancer Syndrome; Neoplastic Syndromes, Hereditary; Hereditary neoplastic syndrome. Identifiers: Orphanet 140162, MedGen C0027672, MeSH D009386, MONDO:0015356.

Submission:

Ambry Genetics
Classification: Pathogenic for Hereditary cancer-predisposing syndrome. Last evaluated: 2019-05-31. Review status: criteria provided, single submitter. Criteria: Ambry Variant Classification Scheme 2023. Collection method: clinical testing. Allele origin: germline.
Comment: The c.2565_2568delTATT pathogenic mutation, located in coding exon 4 of the MSH6 gene, results from a deletion of 4 nucleotides at nucleotide positions 2565 to 2568, causing a translational frameshift with a predicted alternate stop codon (p.I855Mfs*12). This alteration is expected to result in loss of function by premature protein truncation or nonsense-mediated mRNA decay. As such, this alteration is interpreted as a disease-causing mutation.